The following is an entry in ClinVar:

NM_003193.5(TBCE):c.1228G>T (p.Glu410Ter)

Gene: TBCE (tubulin folding cofactor E; plus strand). Cytogenetic location: 1q42.3.
Variant type: single nucleotide variant.
Coding change: c.1228G>T on transcript NM_003193.5 (MANE Select); coding-DNA position 1228, G replaced by T.
Protein change: p.Glu410Ter; replaces glutamic acid 410 with a stop codon.
Molecular consequence: nonsense.
Genome position (GRCh38, 1-based): chr1:235,438,880, G>T. VCF-style: chr1-235438880-G-T. GRCh37 (hg19) VCF-style: chr1-235602195-G-T.
Other names: c.1228G>T, p.Glu410Ter (NM_001079515.3); c.1381G>T, p.Glu461Ter (NM_001287801.2); c.889G>T, p.Glu297Ter (NM_001287802.2); short protein forms E297*, E461*, E410*.
Identifiers: ClinVar variation 2792510 (VCV002792510.3), dbSNP rs377572633, ClinGen allele CA39592788.

ClinVar aggregate classification (germline): Pathogenic (1 of 4 stars; one submission).

Allele frequency attached by ClinVar (database versions not stated): TOPMed below 0.00001; ESP Exome Variant Server 0.00008.

Submission:

Labcorp Genetics (formerly Invitae), Labcorp
Classification: Pathogenic. Last evaluated: 2023-07-17. Review status: criteria provided, single submitter. Criteria: Invitae Variant Classification Sherloc (09022015). Collection method: clinical testing. Allele origin: germline.
Comment: For these reasons, this variant has been classified as Pathogenic. This variant has not been reported in the literature in individuals affected with TBCE-related conditions. This variant is not present in population databases (gnomAD no frequency). This sequence change creates a premature translational stop signal (p.Glu410*) in the TBCE gene. It is expected to result in an absent or disrupted protein product. Loss-of-function variants in TBCE are known to be pathogenic (PMID: 27666369, 34134906, 34356170).

Literature cited by the submitters: PubMed 27666369; PubMed 34134906; PubMed 34356170.